The following is an entry in ClinVar:

NM_133379.5(TTN):c.11849T>C (p.Ile3950Thr)

Gene: TTN (titin; minus strand). Cytogenetic location: 2q31.2.
Variant type: single nucleotide variant.
Coding change: c.11849T>C on transcript NM_133379.5; coding-DNA position 11849, T replaced by C.
Protein change: p.Ile3950Thr; replaces isoleucine 3950 with threonine.
Molecular consequence: missense variant. On other transcripts: intron variant (6).
Genome position (GRCh38, 1-based): chr2:178,750,551, A>G on the plus strand (T>C on the coding strand, the complement: TTN is on the minus strand). VCF-style: chr2-178750551-A-G. GRCh37 (hg19) VCF-style: chr2-179615278-A-G.
Other names: p.I3950T:ATT>ACT; c.10360+2573T>C (NM_133378.4, NM_001256850.1); c.10222+2573T>C (NM_003319.4); c.10798+2573T>C (NM_133437.4); c.10597+2573T>C (NM_133432.3); c.11311+2573T>C (NM_001267550.2); c.11849T>C (NM_133379.4); short protein forms I3950T.
Identifiers: ClinVar variation 47741 (VCV000047741.67), dbSNP rs72647897, ClinGen allele CA141810.

ClinVar aggregate classification (germline): Likely benign. Review status: criteria provided, multiple submitters, no conflicts (2 of 4 stars). 14 submissions from 14 submitters: Likely benign (8). 6 of the submissions do not count toward it. Last evaluated 2026-05-01.

Allele frequency attached by ClinVar (database versions not stated): 1000 Genomes Project 0.00040; 1000 Genomes Project 30x 0.00047; ExAC 0.00147; gnomAD exomes 0.00163 and 0.00284; gnomAD 0.00183 and 0.00211; TOPMed 0.00215; ESP Exome Variant Server 0.00223.
gnomAD v4.1: 4,431 of 1,612,494 alleles (0.27%); highest among the groups gnomAD compares: Non-Finnish European, 0.34%; 10 homozygotes.

Submissions (14):

CeGaT Center for Human Genetics Tuebingen
Classification: Likely benign. Last evaluated: 2026-05-01. Review status: criteria provided, single submitter. Criteria: CeGaT Center For Human Genetics Tuebingen Variant Classification Criteria Version 2. Collection method: clinical testing. Allele origin: germline. Affected: yes. Observed: 50 variant alleles.
Comment: TTN: BP4, BS2

Molecular Diagnostic Laboratory for Inherited Cardiovascular Disease, Montreal Heart Institute
Classification: Likely benign. Last evaluated: 2025-04-09. Review status: criteria provided, single submitter. Criteria: ACMG Guidelines, 2015. Collection method: clinical testing. Allele origin: germline. Affected: no.

Blueprint Genetics
Classification: Likely benign. Last evaluated: 2024-11-19. Review status: criteria provided, single submitter. Criteria: ACMG Guidelines, 2015. Collection method: clinical testing. Allele origin: germline.

ARUP Laboratories, Molecular Genetics and Genomics, ARUP Laboratories
Classification: Likely benign. Last evaluated: 2023-03-02. Review status: criteria provided, single submitter. Criteria: ARUP Molecular Germline Variant Investigation Process 2024. Collection method: clinical testing. Allele origin: germline.

GeneDx
Classification: Likely benign. Last evaluated: 2021-03-05. Review status: criteria provided, single submitter. Criteria: GeneDx Variant Classification Process June 2021. Collection method: clinical testing. Allele origin: germline. Affected: yes.
Comment: This variant is associated with the following publications: (PMID: 24503780, 25214167)

Eurofins Ntd Llc (ga)
Classification: Likely benign. Last evaluated: 2016-10-18. Review status: criteria provided, single submitter. Criteria: EGL Classification Definitions 2015. Collection method: clinical testing. Allele origin: germline. Observed: 2 variant alleles, 2 heterozygotes.

Laboratory for Molecular Medicine, Mass General Brigham Personalized Medicine
Classification: Likely benign. Last evaluated: 2015-08-06. Review status: criteria provided, single submitter. Criteria: LMM Criteria. Collection method: clinical testing. Allele origin: germline. Observed: 12 variant alleles.
Comment: p.Ile3950Thr in exon 45A of TTN: This variant is not expected to have clinical s ignificance because it has been identified in 0.3% (155/65108) of European chrom osomes by the Exome Aggregation Consortium (ExAC, g; dbSNP rs72647897).

Biesecker Lab/Clinical Genomics Section, National Institutes of Health
Classification: Likely benign. Last evaluated: 2013-06-24. Review status: criteria provided, single submitter. Criteria: Ng et al. (Circ Cardiovasc Genet. 2013). Collection method: research. Allele origin: unknown. Observed: 3 variant alleles. Study: ClinSeq.
Comment: The study set was not selected for affection status in relation to any cancer. Pathogenicity categories were based on literature curation. See Pubmed ID:23861362 for details.

Medical sequencing

Clinical Genetics DNA and cytogenetics Diagnostics Lab, Erasmus MC, Erasmus Medical Center
Classification: Likely benign. Review status: no assertion criteria provided. Collection method: clinical testing. Allele origin: germline. Affected: yes. Study: VKGL Data-share Consensus. Not counted in ClinVar's aggregate classification.

Clinical Genetics, Academic Medical Center
Classification: Benign. Review status: no assertion criteria provided. Collection method: clinical testing. Allele origin: germline. Affected: yes. Study: VKGL Data-share Consensus. Not counted in ClinVar's aggregate classification.

Diagnostic Laboratory, Department of Genetics, University Medical Center Groningen
Classification: Likely benign. Review status: no assertion criteria provided. Collection method: clinical testing. Allele origin: germline. Affected: yes. Study: VKGL Data-share Consensus. Not counted in ClinVar's aggregate classification.

Genome Diagnostics Laboratory, University Medical Center Utrecht
Classification: Likely benign. Review status: no assertion criteria provided. Collection method: clinical testing. Allele origin: germline. Affected: yes. Study: VKGL Data-share Consensus. Not counted in ClinVar's aggregate classification.

Joint Genome Diagnostic Labs from Nijmegen and Maastricht, Radboudumc and MUMC+
Classification: Benign. Review status: no assertion criteria provided. Collection method: clinical testing. Allele origin: germline. Affected: yes. Study: VKGL Data-share Consensus. Not counted in ClinVar's aggregate classification.

Laboratory of Diagnostic Genome Analysis, Leiden University Medical Center (LUMC)
Classification: Likely benign. Review status: no assertion criteria provided. Collection method: clinical testing. Allele origin: germline. Affected: yes. Study: VKGL Data-share Consensus. Not counted in ClinVar's aggregate classification.